The following is an entry in ClinVar:

NM_002834.5(PTPN11):c.1620C>T (p.His540=)

Gene: PTPN11 (protein tyrosine phosphatase non-receptor type 11; plus strand). Cytogenetic location: 12q24.13.
Variant type: single nucleotide variant.
Coding change: c.1620C>T on transcript NM_002834.5 (MANE Select); coding-DNA position 1620, C replaced by T.
Protein change: p.His540=; no amino-acid change (histidine 540 retained).
Molecular consequence: synonymous variant.
Genome position (GRCh38, 1-based): chr12:112,502,164, C>T. VCF-style: chr12-112502164-C-T. GRCh37 (hg19) VCF-style: chr12-112939968-C-T.
Other names: p.H540H:CAC>CAT; c.1632C>T, p.His544= (NM_001330437.2); c.1617C>T, p.His539= (NM_001374625.1).
Identifiers: ClinVar variation 138842 (VCV000138842.23), dbSNP rs587781132, ClinGen allele CA273711.

ClinVar aggregate classification (germline): Benign/Likely benign. Review status: criteria provided, multiple submitters, no conflicts (2 of 4 stars). 5 submissions from 5 submitters: Benign (1); Likely benign (3). 1 of the submissions does not count toward it. Last evaluated 2025-12-08.

Conditions:
Cardiovascular phenotype. Identifiers: MedGen CN230736.
RASopathy. Also called: rasopathies; Noonan spectrum disorder. Identifiers: Orphanet 536391, MedGen C5555857, MONDO:0021060.
Noonan syndrome (NS). Also called: Noonan's syndrome. Identifiers: Orphanet 648, MedGen C0028326, MeSH D009634, MONDO:0018997. Disease mechanism: gain of function.

Allele frequency attached by ClinVar (database versions not stated): gnomAD 0.00001; ExAC 0.00002; TOPMed 0.00002; gnomAD exomes 0.00003.
gnomAD v4.1: 37 of 1,613,346 alleles (0.0023%); highest among the groups gnomAD compares: East Asian, 0.018%; no homozygotes.

Submissions (5):

Labcorp Genetics (formerly Invitae), Labcorp
Classification: Likely benign for RASopathy. Last evaluated: 2025-12-08. Review status: criteria provided, single submitter. Criteria: Invitae Variant Classification Sherloc (09022015). Collection method: clinical testing. Allele origin: germline.

CeGaT Center for Human Genetics Tuebingen
Classification: Likely benign. Last evaluated: 2025-11-01. Review status: criteria provided, single submitter. Criteria: CeGaT Center For Human Genetics Tuebingen Variant Classification Criteria Version 2. Collection method: clinical testing. Allele origin: germline. Affected: yes. Observed: 1 variant allele.
Comment: PTPN11: BP4, BP7

Ambry Genetics
Classification: Likely benign for Cardiovascular phenotype. Last evaluated: 2024-02-09. Review status: criteria provided, single submitter. Criteria: Ambry Variant Classification Scheme 2023. Collection method: clinical testing. Allele origin: germline.

GeneDx
Classification: Benign. Last evaluated: 2013-10-22. Review status: criteria provided, single submitter. Criteria: GeneDx Variant Classification (06012015). Collection method: clinical testing. Allele origin: germline. Affected: yes.
Comment: This variant is considered likely benign or benign based on one or more of the following criteria: it is a conservative change, it occurs at a poorly conserved position in the protein, it is predicted to be benign by multiple in silico algorithms, and/or has population frequency not consistent with disease.

ARUP Laboratories, Molecular Genetics and Genomics, ARUP Laboratories
Classification: Likely benign for Noonan syndrome. Last evaluated: 2013-03-14. Review status: no assertion criteria provided. Collection method: clinical testing. Allele origin: unknown. Affected: yes. Observed: 1 variant allele. Not counted in ClinVar's aggregate classification.